The following is an entry in ClinVar:

ClinVar aggregate classification (germline): Benign/Likely benign. Review status: criteria provided, multiple submitters, no conflicts (2 of 4 stars). 5 submissions from 5 submitters: Benign (1); Likely benign (4). Last evaluated 2026-09-01.

Conditions:
Tuberous sclerosis syndrome (TSC). Also called: Tuberous Sclerosis Complex; Tuberous sclerosis. Identifiers: Orphanet 805, MedGen C0041341, MONDO:0001734.
Hereditary cancer-predisposing syndrome. Also called: Neoplastic Syndromes, Hereditary; Hereditary neoplastic syndrome; Tumor predisposition; Hereditary Cancer Syndrome. Identifiers: Orphanet 140162, MedGen C0027672, MeSH D009386, MONDO:0015356.
Tuberous sclerosis 2 (TSC2). Identifiers: Orphanet 805, MedGen C1860707, MONDO:0013199, OMIM 613254.

Allele frequency attached by ClinVar (database versions not stated): ExAC 0.00001.
gnomAD v4.1: 3 of 1,613,708 alleles (0.00019%); highest among the groups gnomAD compares: South Asian, 0.0022%; no homozygotes.

Submissions (5):

CeGaT Center for Human Genetics Tuebingen
Classification: Likely benign. Last evaluated: 2026-09-01. Review status: criteria provided, single submitter. Criteria: CeGaT Center For Human Genetics Tuebingen Variant Classification Criteria Version 2. Collection method: clinical testing. Allele origin: germline. Affected: yes. Observed: 1 variant allele.
Comment: TSC2: BP4, BP7

Labcorp Genetics (formerly Invitae), Labcorp
Classification: Likely benign for Tuberous sclerosis 2. Last evaluated: 2025-11-13. Review status: criteria provided, single submitter. Criteria: Invitae Variant Classification Sherloc (09022015). Collection method: clinical testing. Allele origin: germline.

Myriad Genetics, Inc.
Classification: Benign for Tuberous sclerosis 2. Last evaluated: 2025-05-14. Review status: criteria provided, single submitter. Criteria: Myriad Autosomal Dominant, Autosomal Recessive and X-Linked Classification Criteria (2023). Collection method: clinical testing. Allele origin: unknown.
Comment: This variant is considered benign. This variant is a silent/synonymous amino acid change and it is not expected to impact splicing.

All of Us Research Program, National Institutes of Health
Classification: Likely benign for Tuberous sclerosis syndrome. Last evaluated: 2023-04-03. Review status: criteria provided, single submitter. Criteria: ACMG Guidelines, 2015. Collection method: clinical testing. Allele origin: germline. Inheritance: Autosomal dominant inheritance. Observed: 1 variant allele, 1 heterozygote.
Comment: This study involves interpretation of variants in research participants for the purpose of population health screening. Participant phenotype was not available at the time of variant classification. Additional details can be found in publication PMID: 35346344, PMCID: PMC8962531

Ambry Genetics
Classification: Likely benign for Hereditary cancer-predisposing syndrome. Last evaluated: 2022-11-16. Review status: criteria provided, single submitter. Criteria: Ambry Variant Classification Scheme 2023. Collection method: clinical testing. Allele origin: germline.

NM_000548.5(TSC2):c.1579C>T (p.Leu527=)

Gene: TSC2 (TSC complex subunit 2; plus strand). Cytogenetic location: 16p13.3.
Variant type: single nucleotide variant.
Coding change: c.1579C>T on transcript NM_000548.5 (MANE Select); coding-DNA position 1579, C replaced by T.
Protein change: p.Leu527=; no amino-acid change (leucine 527 retained).
Molecular consequence: synonymous variant.
Genome position (GRCh38, 1-based): chr16:2,064,407, C>T. VCF-style: chr16-2064407-C-T. GRCh37 (hg19) VCF-style: chr16-2114408-C-T.
Other names: c.1579C>T (NM_000548.3); c.1579C>T, p.Leu527= (NM_001114382.3, NM_001363528.2, NM_001370404.1 and 3 more transcripts); c.1468C>T, p.Leu490= (NM_001318827.2); c.1432C>T, p.Leu478= (NM_001318829.2); c.979C>T, p.Leu327= (NM_001318831.2); c.1612C>T, p.Leu538= (NM_001318832.2).
Identifiers: ClinVar variation 1129728 (VCV001129728.13), dbSNP rs762173463, ClinGen allele CA031133.
Genomic context (GRCh38, chr16:2,064,407, plus strand): 5'-CTGGCCACCCAGTTGCTGGTGGACCTGGCAGAGGGCTGCCACACACACCACTTCAACAGC[C>T]TGCTGGACATCATCGAGAAGGTGAGAGCCGTTGTACCCGGGGCCGGGTGCTAGCGTGCCA-3'
Protein context (NP_000539.2, residues 517-537): EGCHTHHFNS[Leu527=]LDIIEKVMAR